The following is an entry in ClinVar:

NM_019066.5(MAGEL2):c.2092G>A (p.Gly698Arg)

Gene: MAGEL2 (MAGE family member L2; minus strand). Cytogenetic location: 15q11.2.
Variant type: single nucleotide variant.
Coding change: c.2092G>A on transcript NM_019066.5 (MANE Select); coding-DNA position 2092, G replaced by A.
Protein change: p.Gly698Arg; replaces glycine 698 with arginine.
Molecular consequence: missense variant.
Genome position (GRCh38, 1-based): chr15:23,645,651, C>T on the plus strand (G>A on the coding strand, the complement: MAGEL2 is on the minus strand). VCF-style: chr15-23645651-C-T. GRCh37 (hg19) VCF-style: chr15-23890798-C-T.
Other names: short protein forms G698R.
Identifiers: ClinVar variation 546558 (VCV000546558.10), dbSNP rs752045093, ClinGen allele CA7429963.

ClinVar aggregate classification (germline): Conflicting classifications of pathogenicity. Review status: criteria provided, conflicting classifications (1 of 4 stars). 4 submissions from 4 submitters: Uncertain significance (2); Likely benign (1). 1 of the submissions does not count toward it. Last evaluated 2025-12-02.

Conditions:
MAGEL2-related disorder. Also called: MAGEL2-related condition.
Inborn genetic diseases. Identifiers: MedGen C0950123, MeSH D030342.

Allele frequency attached by ClinVar (database versions not stated): gnomAD exomes below 0.00001 and 0.00001; gnomAD 0.00001; TOPMed 0.00002; ExAC 0.00003.

Submissions (4):

Ambry Genetics
Classification: Uncertain significance for Inborn genetic diseases. Last evaluated: 2025-12-02. Review status: criteria provided, single submitter. Criteria: Ambry Variant Classification Scheme 2023. Collection method: clinical testing. Allele origin: germline.

Labcorp Genetics (formerly Invitae), Labcorp
Classification: Uncertain significance. Last evaluated: 2025-03-07. Review status: criteria provided, single submitter. Criteria: Invitae Variant Classification Sherloc (09022015). Collection method: clinical testing. Allele origin: germline.
Comment: This sequence change replaces glycine, which is neutral and non-polar, with arginine, which is basic and polar, at codon 698 of the MAGEL2 protein (p.Gly698Arg). The frequency data for this variant in the population databases is considered unreliable, as metrics indicate poor data quality at this position in the gnomAD database. This variant has not been reported in the literature in individuals affected with MAGEL2-related conditions. ClinVar contains an entry for this variant (Variation ID: 546558). Invitae Evidence Modeling of protein sequence and biophysical properties (such as structural, functional, and spatial information, amino acid conservation, physicochemical variation, residue mobility, and thermodynamic stability) indicates that this missense variant is not expected to disrupt MAGEL2 protein function with a negative predictive value of 80%. In summary, the available evidence is currently insufficient to determine the role of this variant in disease. Therefore, it has been classified as a Variant of Uncertain Significance.

GeneDx
Classification: Likely benign. Last evaluated: 2018-11-27. Review status: criteria provided, single submitter. Criteria: GeneDx Variant Classification Process June 2021. Collection method: clinical testing. Allele origin: germline. Affected: yes.

PreventionGenetics, part of Exact Sciences
Classification: Uncertain significance for MAGEL2-related condition. Last evaluated: 2024-01-03. Review status: no assertion criteria provided. Collection method: clinical testing. Allele origin: germline. Not counted in ClinVar's aggregate classification.
Comment: The MAGEL2 c.2092G>A variant is predicted to result in the amino acid substitution p.Gly698Arg. To our knowledge, this variant has not been reported in the literature. This variant is reported in 0.0047% of alleles in individuals of African descent in gnomAD. At this time, the clinical significance of this variant is uncertain due to the absence of conclusive functional and genetic evidence.